The following is an entry in ClinVar:

ClinVar aggregate classification (germline): Uncertain significance (1 of 4 stars; one submission).

Conditions:
Early-infantile DEE. Also called: Early infantile epileptic encephalopathy with suppression bursts; Early infantile epileptic encephalopathy; Ohtahara syndrome. Identifiers: Orphanet 1934, MedGen C0393706, MONDO:0800491.

Submission:

Labcorp Genetics (formerly Invitae), Labcorp
Classification: Uncertain significance for Early-infantile DEE. Last evaluated: 2022-12-30. Review status: criteria provided, single submitter. Criteria: Invitae Variant Classification Sherloc (09022015). Collection method: clinical testing. Allele origin: germline.
Comment: In summary, the available evidence is currently insufficient to determine the role of this variant in disease. Therefore, it has been classified as a Variant of Uncertain Significance. This variant is not present in population databases (gnomAD no frequency). This sequence change falls in intron 2 of the SPTAN1 gene. It does not directly change the encoded amino acid sequence of the SPTAN1 protein. Algorithms developed to predict the effect of sequence changes on RNA splicing suggest that this variant may disrupt the consensus splice site. This variant has not been reported in the literature in individuals affected with SPTAN1-related conditions.

NM_001130438.3(SPTAN1):c.238-8G>T

Gene: SPTAN1 (spectrin alpha, non-erythrocytic 1; plus strand). Cytogenetic location: 9q34.11.
Variant type: single nucleotide variant.
Coding change: c.238-8G>T on transcript NM_001130438.3 (MANE Select); 8 bases into the intron before coding-DNA position 238, G replaced by T.
Molecular consequence: intron variant.
Genome position (GRCh38, 1-based): chr9:128,568,764, G>T. VCF-style: chr9-128568764-G-T. GRCh37 (hg19) VCF-style: chr9-131331043-G-T.
Other names: c.274-8G>T (NM_001375318.1, NM_001375312.2); c.238-8G>T (NM_001375311.2, NM_001375314.2, NM_001375310.1 and 5 more transcripts).
Identifiers: ClinVar variation 3023057 (VCV003023057.3), dbSNP rs750970258, ClinGen allele CA2740092854.